The following is an entry in ClinVar:

NM_006073.4(TRDN):c.296C>G (p.Thr99Ser)

Gene: TRDN (triadin; minus strand). Cytogenetic location: 6q22.31.
Variant type: single nucleotide variant.
Coding change: c.296C>G on transcript NM_006073.4 (MANE Select); coding-DNA position 296, C replaced by G.
Protein change: p.Thr99Ser; replaces threonine 99 with serine.
Molecular consequence: missense variant.
Genome position (GRCh38, 1-based): chr6:123,548,549, G>C on the plus strand (C>G on the coding strand, the complement: TRDN is on the minus strand). VCF-style: chr6-123548549-G-C. GRCh37 (hg19) VCF-style: chr6-123869694-G-C.
Other names: c.296C>G, p.Thr99Ser (NM_001251987.2, NM_001256020.2, NM_001256021.2 and 2 more transcripts); short protein forms T99S.
Identifiers: ClinVar variation 2118768 (VCV002118768.4), dbSNP rs950385278, ClinGen allele CA147297286.

ClinVar aggregate classification (germline): Uncertain significance (1 of 4 stars; one submission).

Conditions:
Catecholaminergic polymorphic ventricular tachycardia 1. Also called: VENTRICULAR TACHYCARDIA, CATECHOLAMINERGIC POLYMORPHIC, 1, WITH OR WITHOUT ATRIAL DYSFUNCTION AND/OR DILATED CARDIOMYOPATHY; RYR2-Related Catecholaminergic Polymorphic Ventricular Tachycardia; VENTRICULAR TACHYCARDIA, STRESS-INDUCED POLYMORPHIC 1. Identifiers: Orphanet 3286, MedGen C1631597, MONDO:0011484, OMIM 604772.

Allele frequency attached by ClinVar (database versions not stated): TOPMed below 0.00001.

Submission:

Labcorp Genetics (formerly Invitae), Labcorp
Classification: Uncertain significance for Catecholaminergic polymorphic ventricular tachycardia 1. Last evaluated: 2022-03-28. Review status: criteria provided, single submitter. Criteria: Invitae Variant Classification Sherloc (09022015). Collection method: clinical testing. Allele origin: germline.
Comment: This sequence change replaces threonine, which is neutral and polar, with serine, which is neutral and polar, at codon 99 of the TRDN protein (p.Thr99Ser). In summary, the available evidence is currently insufficient to determine the role of this variant in disease. Therefore, it has been classified as a Variant of Uncertain Significance. Algorithms developed to predict the effect of missense changes on protein structure and function are either unavailable or do not agree on the potential impact of this missense change (SIFT: "Tolerated"; PolyPhen-2: "Not Available"; Align-GVGD: "Class C0"). This variant has not been reported in the literature in individuals affected with TRDN-related conditions. This variant is not present in population databases (gnomAD no frequency).